The following is an entry in ClinVar:

ClinVar aggregate classification (germline): Likely benign (1 of 4 stars; one submission).

Submission:

CeGaT Center for Human Genetics Tuebingen
Classification: Likely benign. Last evaluated: 2026-02-01. Review status: criteria provided, single submitter. Criteria: CeGaT Center For Human Genetics Tuebingen Variant Classification Criteria Version 2. Collection method: clinical testing. Allele origin: germline. Affected: yes. Observed: 1 variant allele.
Comment: CENPQ: PM2:Supporting, BP4, BP7

NM_018132.4(CENPQ):c.381T>C (p.Pro127=)

Gene: CENPQ (centromere protein Q; plus strand). Cytogenetic location: 6p12.3.
Variant type: single nucleotide variant.
Coding change: c.381T>C on transcript NM_018132.4 (MANE Select); coding-DNA position 381, T replaced by C.
Protein change: p.Pro127=; no amino-acid change (proline 127 retained).
Molecular consequence: synonymous variant.
Genome position (GRCh38, 1-based): chr6:49,480,984, T>C. VCF-style: chr6-49480984-T-C. GRCh37 (hg19) VCF-style: chr6-49448697-T-C.
Identifiers: ClinVar variation 4822696 (VCV004822696.4).